The following is an entry in ClinVar:

ClinVar aggregate classification (germline): Uncertain significance (1 of 4 stars; one submission).

Conditions:
Autosomal recessive limb-girdle muscular dystrophy type 2J (LGMDR10). Also called: Limb-girdle muscular dystrophy, type 2J; MUSCULAR DYSTROPHY, LIMB-GIRDLE, AUTOSOMAL RECESSIVE 10. Identifiers: Orphanet 140922, MedGen C1837342, MONDO:0012127, OMIM 608807.
Dilated cardiomyopathy 1G (CMD1G). Identifiers: Orphanet 154, MedGen C1858763, MONDO:0011400, OMIM 604145.

Submission:

Labcorp Genetics (formerly Invitae), Labcorp
Classification: Uncertain significance for Dilated cardiomyopathy 1G; Autosomal recessive limb-girdle muscular dystrophy type 2J. Last evaluated: 2023-02-18. Review status: criteria provided, single submitter. Criteria: Invitae Variant Classification Sherloc (09022015). Collection method: clinical testing. Allele origin: germline.
Comment: This variant is located in the M band of TTN (PMID: 25589632). Variants in this region may be relevant for neuromuscular disorders, but have not been definitively shown to cause cardiomyopathy (PMID: 23975875). In summary, the available evidence is currently insufficient to determine the role of this variant in disease. Therefore, it has been classified as a Variant of Uncertain Significance. Experimental studies and prediction algorithms are not available or were not evaluated, and the functional significance of this variant is currently unknown. This variant has not been reported in the literature in individuals affected with TTN-related conditions. This variant is not present in population databases (gnomAD no frequency). This sequence change replaces alanine, which is neutral and non-polar, with threonine, which is neutral and polar, at codon 33963 of the TTN protein (p.Ala33963Thr).

Literature cited by the submitters: PubMed 25589632; PubMed 23975875.

NM_001267550.2(TTN):c.101887G>A (p.Ala33963Thr)

Genes: TTN (titin; minus strand), TTN-AS1 (TTN antisense RNA 1; plus strand). Cytogenetic location: 2q31.2.
Variant type: single nucleotide variant.
Coding change: c.101887G>A on transcript NM_001267550.2 (MANE Select); coding-DNA position 101887, G replaced by A.
Protein change: p.Ala33963Thr; replaces alanine 33963 with threonine.
Molecular consequence: missense variant.
Genome position (GRCh38, 1-based): chr2:178,534,728, C>T on the plus strand (G>A on the coding strand, the complement: TTN is on the minus strand). VCF-style: chr2-178534728-C-T. GRCh37 (hg19) VCF-style: chr2-179399455-C-T.
Other names: c.96964G>A, p.Ala32322Thr (NM_001256850.1); c.74692G>A, p.Ala24898Thr (NM_003319.4); c.94183G>A, p.Ala31395Thr (NM_133378.4); c.75067G>A, p.Ala25023Thr (NM_133432.3); c.75268G>A, p.Ala25090Thr (NM_133437.4); short protein forms A25023T, A32322T, A33963T, A24898T, A25090T, A31395T.
Identifiers: ClinVar variation 2932411 (VCV002932411.3), dbSNP rs2468546510, ClinGen allele CA349419085.